The following is an entry in ClinVar:

ClinVar aggregate classification (germline): Uncertain significance. Review status: criteria provided, multiple submitters, no conflicts (2 of 4 stars). 2 submissions from 2 submitters: Uncertain significance (2). Last evaluated 2024-03-28.

Conditions:
Hereditary cancer-predisposing syndrome. Also called: Tumor predisposition; Neoplastic Syndromes, Hereditary; Hereditary Cancer Syndrome; Hereditary neoplastic syndrome. Identifiers: Orphanet 140162, MedGen C0027672, MeSH D009386, MONDO:0015356.
Ataxia-telangiectasia syndrome (AT). Also called: Ataxia-telangiectasia; LOUIS-BAR SYNDROME; Ataxia-telangiectasia, complementation group D; AT, COMPLEMENTATION GROUP C; ATAXIA-TELANGIECTASIA, COMPLEMENTATION GROUP A; ATAXIA-TELANGIECTASIA, FRESNO VARIANT. Identifiers: Orphanet 100, MedGen C0004135, MONDO:0008840, OMIM 208900.

Submissions (2):

Ambry Genetics
Classification: Uncertain significance for Hereditary cancer-predisposing syndrome. Last evaluated: 2024-03-28. Review status: criteria provided, single submitter. Criteria: Ambry Variant Classification Scheme 2023. Collection method: clinical testing. Allele origin: germline.
Comment: The c.7515+4delA intronic variant, located in intron 49 of the ATM gene, results from a deletion of one nucleotide within intron 49 of the ATM gene. This nucleotide position is highly conserved in available vertebrate species. In silico splice site analysis predicts that this alteration will weaken the native splice donor site; however, direct evidence is insufficient at this time (Ambry internal data). Based on the available evidence, the clinical significance of this alteration remains unclear.

Labcorp Genetics (formerly Invitae), Labcorp
Classification: Uncertain significance for Ataxia-telangiectasia syndrome. Last evaluated: 2021-11-17. Review status: criteria provided, single submitter. Criteria: Invitae Variant Classification Sherloc (09022015). Collection method: clinical testing. Allele origin: germline.
Comment: In summary, the available evidence is currently insufficient to determine the role of this variant in disease. Therefore, it has been classified as a Variant of Uncertain Significance. Variants that disrupt the consensus splice site are a relatively common cause of aberrant splicing (PMID: 17576681, 9536098). Algorithms developed to predict the effect of sequence changes on RNA splicing suggest that this variant may disrupt the consensus splice site. This variant has not been reported in the literature in individuals affected with ATM-related conditions. This variant is not present in population databases (gnomAD no frequency). This sequence change falls in intron 50 of the ATM gene. It does not directly change the encoded amino acid sequence of the ATM protein. It affects a nucleotide within the consensus splice site.

Literature cited by the submitters: PubMed 17576681 (cited by Labcorp Genetics (formerly Invitae), Labcorp); PubMed 9536098 (cited by Labcorp Genetics (formerly Invitae), Labcorp).

NM_000051.4(ATM):c.7515+4del

Genes: ATM (ATM serine/threonine kinase; plus strand), C11orf65 (chromosome 11 open reading frame 65; minus strand). Cytogenetic location: 11q22.3.
Variant type: Deletion.
Coding change: c.7515+4del on transcript NM_000051.4 (MANE Select); 4 bases into the intron after coding-DNA position 7515, one base deleted (A; older notation c.7515+4delA).
Molecular consequence: intron variant.
Genome position (GRCh38, 1-based): chr11:108,330,425, A deleted; the last of 2 consecutive A bases (chr11:108,330,424-108,330,425); deleting either gives the same sequence. VCF-style (leftmost placement, unchanged base first): chr11-108330423-CA-C. GRCh37 (hg19) VCF-style: chr11-108201150-CA-C.
Other names: c.7515+4del (NM_001351834.2); c.641-21353del (NM_001330368.2); c.*38+4796del (NM_001351110.2).
Identifiers: ClinVar variation 1447877 (VCV001447877.9), dbSNP rs2136465168, ClinGen allele CA2573146701.